The following is an entry in ClinVar:

NM_000521.4(HEXB):c.185T>C (p.Leu62Ser)

Gene: HEXB (hexosaminidase subunit beta; plus strand). Cytogenetic location: 5q13.3.
Variant type: single nucleotide variant.
Coding change: c.185T>C on transcript NM_000521.4 (MANE Select); coding-DNA position 185, T replaced by C.
Protein change: p.Leu62Ser; replaces leucine 62 with serine.
Molecular consequence: missense variant. On other transcripts: intron variant (1).
Genome position (GRCh38, 1-based): chr5:74,685,445, T>C. VCF-style: chr5-74685445-T-C. GRCh37 (hg19) VCF-style: chr5-73981270-T-C.
Other names: c.-376-3883T>C (NM_001292004.2); short protein forms L62S.
Identifiers: ClinVar variation 167173 (VCV000167173.23), dbSNP rs820878, ClinGen allele CA180111.

ClinVar aggregate classification (germline): Benign. Review status: criteria provided, multiple submitters, no conflicts (2 of 4 stars). 9 submissions from 9 submitters: Benign (8). 1 of the submissions does not count toward it. Last evaluated 2026-02-04.

Conditions:
Sandhoff disease. Also called: GM2-GANGLIOSIDOSIS, TYPE II; HEXOSAMINIDASES A AND B DEFICIENCY; Beta-hexosaminidase-beta-subunit deficiency; GM2 gangliosidosis, type 2; Total hexosaminidase deficiency; Sandhoff-Jatzkewitz-Pilz disease. Identifiers: Orphanet 796, MedGen C0036161, MONDO:0010006, OMIM 268800.

Allele frequency attached by ClinVar (database versions not stated): ExAC 0.97082; gnomAD exomes 0.97144; gnomAD 0.97222 and 0.97243; TOPMed 0.97319; 1000 Genomes Project 0.98143; 1000 Genomes Project 30x 0.98157.
gnomAD v4.1: 1,548,467 of 1,610,796 alleles (96%); highest among the groups gnomAD compares: East Asian, 100%; 744,515 homozygotes.

Submissions (9):

Labcorp Genetics (formerly Invitae), Labcorp
Classification: Benign for Sandhoff disease. Last evaluated: 2026-02-04. Review status: criteria provided, single submitter. Criteria: Invitae Variant Classification Sherloc (09022015). Collection method: clinical testing. Allele origin: germline.

Mayo Clinic Laboratories, Mayo Clinic
Classification: Benign. Last evaluated: 2025-01-02. Review status: criteria provided, single submitter. Criteria: ACMG Guidelines, 2015. Collection method: clinical testing. Allele origin: germline. Observed: 1,467 variant alleles.
Comment: BA1, BP4

Blueprint Genetics
Classification: Benign. Last evaluated: 2024-11-26. Review status: criteria provided, single submitter. Criteria: ACMG Guidelines, 2015. Collection method: clinical testing. Allele origin: germline.

Genome-Nilou Lab
Classification: Benign for Sandhoff disease. Last evaluated: 2021-07-10. Review status: criteria provided, single submitter. Criteria: ACMG Guidelines, 2015. Collection method: clinical testing. Allele origin: germline. Affected: no.

Mendelics
Classification: Benign for Sandhoff disease. Last evaluated: 2019-05-28. Review status: criteria provided, single submitter. Criteria: Mendelics Assertion Criteria 2017. Collection method: clinical testing. Allele origin: unknown.

Laboratory for Molecular Medicine, Mass General Brigham Personalized Medicine
Classification: Benign. Last evaluated: 2016-03-28. Review status: criteria provided, single submitter. Criteria: LMM Criteria. Collection method: clinical testing. Allele origin: germline.
Comment: Variant identified in a genome or exome case(s) and assessed due to predicted null impact of the variant or pathogenic assertions in the literature or databases. Disclaimer: This variant has not undergone full assessment. The following are preliminary notes: High allele frequency

Eurofins Ntd Llc (ga)
Classification: Benign. Last evaluated: 2014-12-10. Review status: criteria provided, single submitter. Criteria: EGL Classification Definitions 2015. Collection method: clinical testing. Allele origin: germline. Observed: 120 variant alleles, 14 heterozygotes, 107 homozygotes.

Breakthrough Genomics
Classification: Benign. Review status: criteria provided, single submitter. Criteria: ACMG Guidelines, 2015. Collection method: not provided. Allele origin: germline. Inheritance: Autosomal recessive inheritance. Affected: yes.

Natera, Inc.
Classification: Benign for Sandhoff disease. Last evaluated: 2020-09-16. Review status: no assertion criteria provided. Collection method: clinical testing. Allele origin: germline. Not counted in ClinVar's aggregate classification.